The following is an entry in ClinVar:

ClinVar aggregate classification (germline): Uncertain significance (1 of 4 stars; one submission).

Conditions:
GLIS3-related disorder. Also called: GLIS3-related condition.

gnomAD v4.1: 19 of 1,612,850 alleles (0.0012%); highest among the groups gnomAD compares: East Asian, 0.016%; no homozygotes.

Submission:

PreventionGenetics, part of Exact Sciences
Classification: Uncertain significance for GLIS3-related condition. Last evaluated: 2025-06-13. Review status: criteria provided, single submitter. Criteria: ACMG Guidelines, 2015. Collection method: clinical testing. Allele origin: germline.
Comment: The GLIS3 c.1859C>T variant is predicted to result in the amino acid substitution p.Thr620Met. To our knowledge, this variant has not been reported in the literature. This variant is reported in 0.0062% of alleles in individuals of African descent in gnomAD. At this time, the clinical significance of this variant is uncertain due to the absence of conclusive functional and genetic evidence.

NM_001042413.2(GLIS3):c.1859C>T (p.Thr620Met)

Gene: GLIS3 (GLIS family zinc finger 3; minus strand). Cytogenetic location: 9p24.2.
Variant type: single nucleotide variant.
Coding change: c.1859C>T on transcript NM_001042413.2 (MANE Select); coding-DNA position 1859, C replaced by T.
Protein change: p.Thr620Met; replaces threonine 620 with methionine.
Molecular consequence: missense variant.
Genome position (GRCh38, 1-based): chr9:3,937,041, G>A on the plus strand (C>T on the coding strand, the complement: GLIS3 is on the minus strand). VCF-style: chr9-3937041-G-A. GRCh37 (hg19) VCF-style: chr9-3937041-G-A.
Other names: c.1859C>T, p.Thr620Met (NM_001438906.1, NM_001438907.1, NM_001438908.1); c.1394C>T, p.Thr465Met (NM_001438909.1, NM_152629.4); c.1193C>T, p.Thr398Met (NM_001438911.1, NM_001438912.1); short protein forms T620M, T465M, T398M.
Identifiers: ClinVar variation 5000866 (VCV005000866.1).
Genomic context (GRCh38, chr9:3,937,041, plus strand): 5'-CACACCAGGCGCTGGGTTGGAAACTGGAAAGCTCCTGCCATTCTTACGGTGTCCAGATGC[G>A]TCCGCTGGTGTTTGGCGCGGTCACTGGAGTTACTGAAGGCCTTCTGACAACCCGGATGCT-3'
Protein context (NP_001035878.1, residues 610-630): NSSDRAKHQR[Thr620Met]HLDTKPYACQ